The following is an entry in ClinVar:

ClinVar aggregate classification (germline): Likely benign (1 of 4 stars; one submission).

Conditions:
Cenani-Lenz syndactyly syndrome. Also called: CENANI SYNDACTYLISM; SYNDACTYLY, TYPE VII. Identifiers: Orphanet 3258, MedGen C1859309, MONDO:0008931, OMIM 212780.

Allele frequency attached by ClinVar (database versions not stated): TOPMed 0.02539; gnomAD 0.02450 and 0.02245; 1000 Genomes Project 0.02097; 1000 Genomes Project 30x 0.02374.

Submission:

Illumina Laboratory Services, Illumina
Classification: Likely benign for Cenani-Lenz syndactyly syndrome. Last evaluated: 2017-04-27. Review status: criteria provided, single submitter. Criteria: ICSL Variant Classification Criteria 13 December 2019. Collection method: clinical testing. Allele origin: germline.
Comment: This variant was observed as part of a predisposition screen in an ostensibly healthy population. A literature search was performed for the gene, cDNA change, and amino acid change (where applicable). No publications were found based on this search. Allele frequency data from public databases allowed determination this variant is unlikely to cause disease. Therefore, this variant is classified as likely benign.

NM_002334.4(LRP4):c.*929C>A

Genes: LRP4 (LDL receptor related protein 4; minus strand), LRP4-AS1 (LRP4 antisense RNA 1; plus strand). Cytogenetic location: 11p11.2.
Variant type: single nucleotide variant.
Coding change: c.*929C>A on transcript NM_002334.4 (MANE Select); 929 bases downstream of the stop codon, C replaced by A.
Molecular consequence: 3 prime UTR variant.
Genome position (GRCh38, 1-based): chr11:46,858,054, G>T on the plus strand (C>A on the coding strand, the complement: LRP4 is on the minus strand). VCF-style: chr11-46858054-G-T. GRCh37 (hg19) VCF-style: chr11-46879605-G-T.
Identifiers: ClinVar variation 304834 (VCV000304834.5), dbSNP rs79910473, ClinGen allele CA10638675.